The following is an entry in ClinVar:

ClinVar aggregate classification (germline): Benign. Review status: criteria provided, multiple submitters, no conflicts (2 of 4 stars). 3 submissions from 3 submitters: Benign (2). 1 of the submissions does not count toward it. Last evaluated 2013-11-06.

Conditions:
DMPK-related disorder. Also called: DMPK-related condition.

Allele frequency attached by ClinVar (database versions not stated): 1000 Genomes Project 30x 0.14085; 1000 Genomes Project 0.14517; ESP Exome Variant Server 0.09742; gnomAD 0.11320 and 0.10749; TOPMed 0.11172; gnomAD exomes 0.13813 and 0.12387; ExAC 0.14694.
gnomAD v4.1: 186,331 of 1,515,054 alleles (12%); highest among the groups gnomAD compares: South Asian, 23%; 12,579 homozygotes.

Submissions (3):

Genetic Services Laboratory, University of Chicago
Classification: Benign for AllHighlyPenetrant. Last evaluated: 2013-11-06. Review status: criteria provided, single submitter. Criteria: ACMG Guidelines, 2007. Collection method: clinical testing. Allele origin: germline.

Breakthrough Genomics
Classification: Benign. Review status: criteria provided, single submitter. Criteria: ACMG Guidelines, 2015. Collection method: not provided. Allele origin: germline. Inheritance: Autosomal dominant inheritance. Affected: yes.

PreventionGenetics, part of Exact Sciences
Classification: Benign for DMPK-related condition. Last evaluated: 2019-10-18. Review status: no assertion criteria provided. Collection method: clinical testing. Allele origin: germline. Not counted in ClinVar's aggregate classification.
Comment: This variant is classified as benign based on ACMG/AMP sequence variant interpretation guidelines (Richards et al. 2015 PMID: 25741868, with internal and published modifications).

NM_004409.5(DMPK):c.1267C>G (p.Leu423Val)

Genes: DMPK (DM1 protein kinase; minus strand), LOC107075317 (origin of replication in DMPK trinucleotide repeat region; plus strand). Cytogenetic location: 19q13.32.
Variant type: single nucleotide variant.
Coding change: c.1267C>G on transcript NM_004409.5 (MANE Select); coding-DNA position 1267, C replaced by G.
Protein change: p.Leu423Val; replaces leucine 423 with valine.
Molecular consequence: missense variant.
Genome position (GRCh38, 1-based): chr19:45,772,718, G>C on the plus strand (C>G on the coding strand, the complement: DMPK is on the minus strand). VCF-style: chr19-45772718-G-C. GRCh37 (hg19) VCF-style: chr19-46275976-G-C.
Other names: c.1252C>G, p.Leu418Val (NM_001081560.3, NM_001081562.3, NM_001288766.2 and 1 more transcripts); c.1297C>G, p.Leu433Val (NM_001081563.3); c.1345C>G, p.Leu449Val (NM_001288764.2, NM_001424163.1); c.1000C>G, p.Leu334Val (NM_001288765.2); c.1267C>G, p.Leu423Val (NM_001424162.1, NM_001424164.1, NM_001424165.1 and 1 more transcripts); c.826C>G, p.Leu276Val (NM_001424166.1); short protein forms L423V, L334V, L418V, L433V, L449V, L276V.
Identifiers: ClinVar variation 128903 (VCV000128903.9), dbSNP rs527221, ClinGen allele CA152585.